The following is an entry in ClinVar:

NM_000059.4(BRCA2):c.8576A>C (p.Gln2859Pro)

Gene: BRCA2 (BRCA2 DNA repair associated; plus strand). Cytogenetic location: 13q13.1.
Variant type: single nucleotide variant.
Coding change: c.8576A>C on transcript NM_000059.4 (MANE Select); coding-DNA position 8576, A replaced by C.
Protein change: p.Gln2859Pro; replaces glutamine 2859 with proline.
Molecular consequence: missense variant.
Genome position (GRCh38, 1-based): chr13:32,371,044, A>C. VCF-style: chr13-32371044-A-C. GRCh37 (hg19) VCF-style: chr13-32945181-A-C.
Other names: short protein forms Q2859P.
Identifiers: ClinVar variation 1493395 (VCV001493395.8), dbSNP rs2137600613, ClinGen allele CA387752827.
Genomic context (GRCh38, chr13:32,371,044, plus strand): 5'-ACATATTTCGCAATGAAAGAGAGGAAGAAAAGGAAGCAGCAAAATATGTGGAGGCCCAAC[A>C]AAAGAGACTAGAAGCCTTATTCACTAAAATTCAGGAGGAATTTGAAGAACATGAAGGTAA-3'
Protein context (NP_000050.3, residues 2849-2869): KEAAKYVEAQ[Gln2859Pro]KRLEALFTKI

ClinVar aggregate classification (germline): Uncertain significance (1 of 4 stars; one submission).

Conditions:
Hereditary breast ovarian cancer syndrome. Also called: Hereditary breast and ovarian cancer; Hereditary breast and ovarian cancer syndrome; Hereditary breast and/or ovarian cancer syndrome; Hereditary breast and ovarian cancer syndrome (HBOC); Breast and ovarian cancer; BRCA1- and BRCA2-Associated Hereditary Breast and Ovarian Cancer. Identifiers: Orphanet 145, MedGen C0677776, MeSH D061325, MONDO:0003582. Disease mechanism: loss of function.

Submission:

Labcorp Genetics (formerly Invitae), Labcorp
Classification: Uncertain significance for Hereditary breast ovarian cancer syndrome. Last evaluated: 2020-11-25. Review status: criteria provided, single submitter. Criteria: Invitae Variant Classification Sherloc (09022015). Collection method: clinical testing. Allele origin: germline.
Comment: This variant is not present in population databases (ExAC no frequency). In summary, the available evidence is currently insufficient to determine the role of this variant in disease. Therefore, it has been classified as a Variant of Uncertain Significance. Advanced modeling of protein sequence and biophysical properties (such as structural, functional, and spatial information, amino acid conservation, physicochemical variation, residue mobility, and thermodynamic stability) performed at Invitae indicates that this missense variant is not expected to disrupt BRCA2 protein function. This variant has not been reported in the literature in individuals with BRCA2-related conditions. This sequence change replaces glutamine with proline at codon 2859 of the BRCA2 protein (p.Gln2859Pro). The glutamine residue is highly conserved and there is a moderate physicochemical difference between glutamine and proline.